The following is an entry in ClinVar:

ClinVar aggregate classification (germline): Uncertain significance. Review status: criteria provided, multiple submitters, no conflicts (2 of 4 stars). 2 submissions from 2 submitters: Uncertain significance (2). Last evaluated 2025-09-28.

Conditions:
Fanconi anemia (FA). Also called: Fanconi's anemia. Identifiers: Orphanet 84, MedGen C0015625, MeSH D005199, MONDO:0019391.
Fanconi anemia complementation group F. Also called: FANCF-Related Fanconi Anemia. Identifiers: Orphanet 84, MedGen C3469526, MONDO:0011325, OMIM 603467.

Submissions (2):

Labcorp Genetics (formerly Invitae), Labcorp
Classification: Uncertain significance for Fanconi anemia. Last evaluated: 2025-09-28. Review status: criteria provided, single submitter. Criteria: Invitae Variant Classification Sherloc (09022015). Collection method: clinical testing. Allele origin: germline.
Comment: This sequence change replaces leucine, which is neutral and non-polar, with proline, which is neutral and non-polar, at codon 326 of the FANCF protein (p.Leu326Pro). This variant is not present in population databases (gnomAD no frequency). This variant has not been reported in the literature in individuals affected with FANCF-related conditions. ClinVar contains an entry for this variant (Variation ID: 3599499). Invitae Evidence Modeling of protein sequence and biophysical properties (such as structural, functional, and spatial information, amino acid conservation, physicochemical variation, residue mobility, and thermodynamic stability) indicates that this missense variant is expected to disrupt FANCF protein function with a positive predictive value of 80%. In summary, the available evidence is currently insufficient to determine the role of this variant in disease. Therefore, it has been classified as a Variant of Uncertain Significance.

Fulgent Genetics
Classification: Uncertain significance for Fanconi anemia complementation group F. Last evaluated: 2024-03-07. Review status: criteria provided, single submitter. Criteria: ACMG Guidelines, 2015. Collection method: clinical testing. Allele origin: germline.

NM_022725.4(FANCF):c.977T>C (p.Leu326Pro)

Genes: FANCF (FA complementation group F; minus strand), LOC130005443 (ATAC-STARR-seq lymphoblastoid active region 4533; plus strand). Cytogenetic location: 11p14.3.
Variant type: single nucleotide variant.
Coding change: c.977T>C on transcript NM_022725.4 (MANE Select); coding-DNA position 977, T replaced by C.
Protein change: p.Leu326Pro; replaces leucine 326 with proline.
Molecular consequence: missense variant.
Genome position (GRCh38, 1-based): chr11:22,624,834, A>G on the plus strand (T>C on the coding strand, the complement: FANCF is on the minus strand). VCF-style: chr11-22624834-A-G. GRCh37 (hg19) VCF-style: chr11-22646380-A-G.
Other names: short protein forms L326P.
Identifiers: ClinVar variation 3599499 (VCV003599499.2).